The following is an entry in ClinVar:

ClinVar aggregate classification (germline): Benign/Likely benign. Review status: criteria provided, multiple submitters, no conflicts (2 of 4 stars). 3 submissions from 3 submitters: Benign (1); Likely benign (2). Last evaluated 2025-05-30.

Conditions:
Tuberous sclerosis 2 (TSC2). Identifiers: Orphanet 805, MedGen C1860707, MONDO:0013199, OMIM 613254.
Hereditary cancer-predisposing syndrome. Also called: Tumor predisposition; Hereditary Cancer Syndrome; Neoplastic Syndromes, Hereditary; Hereditary neoplastic syndrome. Identifiers: Orphanet 140162, MedGen C0027672, MeSH D009386, MONDO:0015356.

Allele frequency attached by ClinVar (database versions not stated): gnomAD exomes below 0.00001.

Submissions (3):

Myriad Genetics, Inc.
Classification: Benign for Tuberous sclerosis 2. Last evaluated: 2025-05-30. Review status: criteria provided, single submitter. Criteria: Myriad Autosomal Dominant, Autosomal Recessive and X-Linked Classification Criteria (2023). Collection method: clinical testing. Allele origin: unknown.
Comment: This variant is considered benign. This variant is a silent/synonymous amino acid change and it is not expected to impact splicing.

Ambry Genetics
Classification: Likely benign for Hereditary cancer-predisposing syndrome. Last evaluated: 2023-06-27. Review status: criteria provided, single submitter. Criteria: Ambry Variant Classification Scheme 2023. Collection method: clinical testing. Allele origin: germline.

Labcorp Genetics (formerly Invitae), Labcorp
Classification: Likely benign for Tuberous sclerosis 2. Last evaluated: 2022-09-27. Review status: criteria provided, single submitter. Criteria: Invitae Variant Classification Sherloc (09022015). Collection method: clinical testing. Allele origin: germline.

NM_000548.5(TSC2):c.3612G>C (p.Gly1204=)

Gene: TSC2 (TSC complex subunit 2; plus strand). Cytogenetic location: 16p13.3.
Variant type: single nucleotide variant.
Coding change: c.3612G>C on transcript NM_000548.5 (MANE Select); coding-DNA position 3612, G replaced by C.
Protein change: p.Gly1204=; no amino-acid change (glycine 1204 retained).
Molecular consequence: synonymous variant.
Genome position (GRCh38, 1-based): chr16:2,081,596, G>C. VCF-style: chr16-2081596-G-C. GRCh37 (hg19) VCF-style: chr16-2131597-G-C.
Other names: c.3480G>C, p.Gly1160= (NM_001077183.3, NM_001370404.1); c.3612G>C, p.Gly1204= (NM_001114382.3); c.3372G>C, p.Gly1124= (NM_001318827.2); c.3336G>C, p.Gly1112= (NM_001318829.2); c.2880G>C, p.Gly960= (NM_001318831.2); c.3513G>C, p.Gly1171= (NM_001318832.2); c.3483G>C, p.Gly1161= (NM_001363528.2, NM_001370405.1, NM_021055.3).
Identifiers: ClinVar variation 757361 (VCV000757361.10), dbSNP rs1555512292, ClinGen allele CA493042966.
Genomic context (GRCh38, chr16:2,081,596, plus strand): 5'-GCCAGAGATGGGTAAGGGGAGGTACTGGCCTCAGGCCAAAGGTGCTGCCGCCTCCGCAGG[G>C]AACACCAGCTGGCTGATGAGCCTGGAGAACCCGCTCAGCCCTTTCTCCTCGGACATCAAC-3'
Protein context (NP_000539.2, residues 1194-1214): WAEILVRRPT[Gly1204=]NTSWLMSLEN